The following is an entry in ClinVar:

ClinVar aggregate classification (germline): Uncertain significance (1 of 4 stars; one submission).

Submission:

Labcorp Genetics (formerly Invitae), Labcorp
Classification: Uncertain significance. Last evaluated: 2021-02-21. Review status: criteria provided, single submitter. Criteria: Invitae Variant Classification Sherloc (09022015). Collection method: clinical testing. Allele origin: germline.
Comment: In summary, the available evidence is currently insufficient to determine the role of this variant in disease. Therefore, it has been classified as a Variant of Uncertain Significance. Experimental studies and prediction algorithms are not available or were not evaluated, and the functional significance of this variant is currently unknown. This variant has not been reported in the literature in individuals with ARHGEF10-related conditions. This variant is a gross deletion of the genomic region encompassing exon(s) 2-7 of the ARHGEF10 gene, which includes the initiator codon. The 5' end of this event is unknown as it extends beyond the assayed region for this gene and therefore may encompass additional genes. The 3' boundary is likely confined to intron 7 of the ARHGEF10 gene. It is expected to result in an absent or disrupted protein product. However, the current clinical and genetic evidence is not sufficient to establish whether loss-of-function variants in ARHGEF10 cause disease.

NC_000008.10:g.(?_1791566)_(1817436_?)del

Gene: ARHGEF10 (Rho guanine nucleotide exchange factor 10; plus strand). Cytogenetic location: 8p23.3.
Variant type: Deletion.
Identifiers: ClinVar variation 1401160 (VCV001401160.5).